The following is an entry in ClinVar:

ClinVar aggregate classification (germline): Likely pathogenic (1 of 4 stars; one submission).

Conditions:
Propionic acidemia (PROP). Also called: GLYCINEMIA, KETOTIC; HYPERGLYCINEMIA WITH KETOACIDOSIS AND LEUKOPENIA; KETOTIC HYPERGLYCINEMIA. Identifiers: Orphanet 35, MedGen C0268579, MONDO:0011628, OMIM 606054, HP:0003571.

Submission:

Labcorp Genetics (formerly Invitae), Labcorp
Classification: Likely pathogenic for Propionic acidemia. Last evaluated: 2022-08-04. Review status: criteria provided, single submitter. Criteria: Invitae Variant Classification Sherloc (09022015). Collection method: clinical testing. Allele origin: germline.
Comment: Advanced modeling of protein sequence and biophysical properties (such as structural, functional, and spatial information, amino acid conservation, physicochemical variation, residue mobility, and thermodynamic stability) performed at Invitae indicates that this missense variant is expected to disrupt PCCB protein function. This variant has not been reported in the literature in individuals affected with PCCB-related conditions. This variant is not present in population databases (gnomAD no frequency). This sequence change replaces proline, which is neutral and non-polar, with serine, which is neutral and polar, at codon 279 of the PCCB protein (p.Pro279Ser). This variant disrupts the p.Pro279 amino acid residue in PCCB. Other variant(s) that disrupt this residue have been determined to be pathogenic (PMID: 31757659, 33587123; Invitae). This suggests that this residue is clinically significant, and that variants that disrupt this residue are likely to be disease-causing. In summary, the currently available evidence indicates that the variant is pathogenic, but additional data are needed to prove that conclusively. Therefore, this variant has been classified as Likely Pathogenic.

Literature cited by the submitters: PubMed 31757659; PubMed 33587123.

NM_000532.5(PCCB):c.835C>T (p.Pro279Ser)

Gene: PCCB (propionyl-CoA carboxylase subunit beta; plus strand). Cytogenetic location: 3q22.3.
Variant type: single nucleotide variant.
Coding change: c.835C>T on transcript NM_000532.5 (MANE Select); coding-DNA position 835, C replaced by T.
Protein change: p.Pro279Ser; replaces proline 279 with serine.
Molecular consequence: missense variant.
Genome position (GRCh38, 1-based): chr3:136,298,023, C>T. VCF-style: chr3-136298023-C-T. GRCh37 (hg19) VCF-style: chr3-136016865-C-T.
Other names: c.895C>T, p.Pro299Ser (NM_001178014.2); short protein forms P279S, P299S.
Identifiers: ClinVar variation 2021494 (VCV002021494.4), dbSNP rs2529877601, ClinGen allele CA354644756.